The following is an entry in ClinVar:

ClinVar aggregate classification (germline): Pathogenic (1 of 4 stars; one submission).

Conditions:
Dihydropyrimidine dehydrogenase deficiency (DPYDD). Also called: DPD DEFICIENCY; DPYD DEFICIENCY; Hereditary Thymine-Uraciluria. Identifiers: Orphanet 1675, MedGen C1959620, MONDO:0010130, OMIM 274270.

gnomAD v4.1: 1 of 1,613,030 alleles (0.000062%); highest among the groups gnomAD compares: Non-Finnish European, 0.000085%; no homozygotes.

Submission:

Myriad Genetics, Inc.
Classification: Pathogenic for Dihydropyrimidine dehydrogenase deficiency. Last evaluated: 2024-06-06. Review status: criteria provided, single submitter. Criteria: Myriad Autosomal Dominant, Autosomal Recessive and X-Linked Classification Criteria (2023). Collection method: clinical testing. Allele origin: unknown.
Comment: NM_000110.3(DPYD):c.2695G>T(E899*) is expected to be pathogenic in the context of dihydropyrimidine dehydrogenase deficiency. This variant is predicted to lead to an abnormal or absent protein product due to the creation of a premature termination codon in DPYD, a gene where loss-of-function variants are known to be pathogenic. Please note: this variant was assessed in the context of healthy population screening.

NM_000110.4(DPYD):c.2695G>T (p.Glu899Ter)

Genes: DPYD (dihydropyrimidine dehydrogenase; minus strand), DPYD-AS1 (DPYD antisense RNA 1; plus strand). Cytogenetic location: 1p21.3.
Variant type: single nucleotide variant.
Coding change: c.2695G>T on transcript NM_000110.4 (MANE Select); coding-DNA position 2695, G replaced by T.
Protein change: p.Glu899Ter; replaces glutamic acid 899 with a stop codon.
Molecular consequence: nonsense.
Genome position (GRCh38, 1-based): chr1:97,098,560, C>A on the plus strand (G>T on the coding strand, the complement: DPYD is on the minus strand). VCF-style: chr1-97098560-C-A. GRCh37 (hg19) VCF-style: chr1-97564116-C-A.
Other names: short protein forms E899*.
Identifiers: ClinVar variation 5013154 (VCV005013154.1).